The following is an entry in ClinVar:

NM_020884.7(MYH7B):c.448C>G (p.Pro150Ala)

Gene: MYH7B (myosin heavy chain 7B; plus strand). Cytogenetic location: 20q11.22.
Variant type: single nucleotide variant.
Coding change: c.448C>G on transcript NM_020884.7 (MANE Select); coding-DNA position 448, C replaced by G.
Protein change: p.Pro150Ala; replaces proline 150 with alanine.
Molecular consequence: missense variant.
Genome position (GRCh38, 1-based): chr20:34,980,683, C>G. VCF-style: chr20-34980683-C-G. GRCh37 (hg19) VCF-style: chr20-33568486-C-G.
Other names: short protein forms P150A.
Identifiers: ClinVar variation 2755190 (VCV002755190.3), dbSNP rs2519108120, ClinGen allele CA408695582.
Genomic context (GRCh38, chr20:34,980,683, plus strand): 5'-CTCCCAGTCTATACGGCCTCCGTAGTGGCTGCTTACAAGGGAAAGCGCCGCTCAGATTCC[C>G]CGCCCCATATATATGCGGTGGCGGACAACGCCTACAACGACATGCTGCGCAGTAAGGGCC-3'
Protein context (NP_065935.4, residues 140-160): AYKGKRRSDS[Pro150Ala]PHIYAVADNA

ClinVar aggregate classification (germline): Uncertain significance (1 of 4 stars; one submission).

Submission:

Labcorp Genetics (formerly Invitae), Labcorp
Classification: Uncertain significance. Last evaluated: 2023-08-25. Review status: criteria provided, single submitter. Criteria: Invitae Variant Classification Sherloc (09022015). Collection method: clinical testing. Allele origin: germline.
Comment: This sequence change replaces proline, which is neutral and non-polar, with alanine, which is neutral and non-polar, at codon 192 of the MYH7B protein (p.Pro192Ala). This variant is not present in population databases (gnomAD no frequency). This variant has not been reported in the literature in individuals affected with MYH7B-related conditions. Advanced modeling of protein sequence and biophysical properties (such as structural, functional, and spatial information, amino acid conservation, physicochemical variation, residue mobility, and thermodynamic stability) performed at Invitae indicates that this missense variant is expected to disrupt MYH7B protein function. In summary, the available evidence is currently insufficient to determine the role of this variant in disease. Therefore, it has been classified as a Variant of Uncertain Significance.